The following is an entry in ClinVar:

ClinVar aggregate classification (germline): Likely pathogenic (1 of 4 stars; one submission).

Conditions:
Dilated cardiomyopathy 1G (CMD1G). Identifiers: Orphanet 154, MedGen C1858763, MONDO:0011400, OMIM 604145.
Autosomal recessive limb-girdle muscular dystrophy type 2J (LGMDR10). Also called: Limb-girdle muscular dystrophy, type 2J; MUSCULAR DYSTROPHY, LIMB-GIRDLE, AUTOSOMAL RECESSIVE 10. Identifiers: Orphanet 140922, MedGen C1837342, MONDO:0012127, OMIM 608807.

Submission:

Labcorp Genetics (formerly Invitae), Labcorp
Classification: Likely pathogenic for Dilated cardiomyopathy 1G; Autosomal recessive limb-girdle muscular dystrophy type 2J. Last evaluated: 2024-05-10. Review status: criteria provided, single submitter. Criteria: Invitae Variant Classification Sherloc (09022015). Collection method: clinical testing. Allele origin: germline.
Comment: This sequence change creates a premature translational stop signal (p.Glu9008*) in the TTN gene. While this is not anticipated to result in nonsense mediated decay, it is expected to create a truncated TTN protein. This variant is not present in population databases (gnomAD no frequency). This variant has not been reported in the literature in individuals affected with TTN-related conditions. Algorithms developed to predict the effect of sequence changes on RNA splicing suggest that this variant may disrupt the consensus splice site. This variant is located in the I band of TTN (PMID: 25589632). Truncating variants in this region have been reported in individuals affected with autosomal recessive centronuclear myopathy (PMID: 23975875, Invitae internal data). Truncating variants in this region have also been identified in individuals affected with autosomal dominant dilated cardiomyopathy and/or cardio-related conditions (PMID: 27869827, 32964742, Invitae internal data). In summary, the currently available evidence indicates that the variant is pathogenic, but additional data are needed to prove that conclusively. Therefore, this variant has been classified as Likely Pathogenic.

Literature cited by the submitters: PubMed 25589632; PubMed 23975875; PubMed 27869827; PubMed 32964742.

NM_001267550.2(TTN):c.27022G>T (p.Glu9008Ter)

Gene: TTN (titin; minus strand). Cytogenetic location: 2q31.2.
Variant type: single nucleotide variant.
Coding change: c.27022G>T on transcript NM_001267550.2 (MANE Select); coding-DNA position 27022, G replaced by T.
Protein change: p.Glu9008Ter; replaces glutamic acid 9008 with a stop codon.
Molecular consequence: nonsense. On other transcripts: intron variant (3).
Genome position (GRCh38, 1-based): chr2:178,713,112, C>A on the plus strand (G>T on the coding strand, the complement: TTN is on the minus strand). VCF-style: chr2-178713112-C-A. GRCh37 (hg19) VCF-style: chr2-179577839-C-A.
Other names: c.26071G>T, p.Glu8691Ter (NM_001256850.1); c.23290G>T, p.Glu7764Ter (NM_133378.4); c.13282+24970G>T (NM_003319.4); c.13858+24970G>T (NM_133437.4); c.13657+24970G>T (NM_133432.3); short protein forms E7764*, E8691*, E9008*.
Identifiers: ClinVar variation 3749385 (VCV003749385.2).